The following is an entry in ClinVar:

NM_002633.3(PGM1):c.247-5872C>T

Gene: PGM1 (phosphoglucomutase 1; plus strand). Cytogenetic location: 1p31.3.
Variant type: single nucleotide variant.
Coding change: c.247-5872C>T on transcript NM_002633.3 (MANE Select); 5872 bases into the intron before coding-DNA position 247, C replaced by T.
Molecular consequence: intron variant. On other transcripts: synonymous variant (1).
Genome position (GRCh38, 1-based): chr1:63,623,553, C>T. VCF-style: chr1-63623553-C-T. GRCh37 (hg19) VCF-style: chr1-64089224-C-T.
Other names: c.93C>T, p.His31= (NM_001172818.1); c.-345-5872C>T (NM_001172819.2).
Identifiers: ClinVar variation 3025824 (VCV003025824.23), dbSNP rs755152652, ClinGen allele CA889438.

ClinVar aggregate classification (germline): Likely benign. Review status: criteria provided, multiple submitters, no conflicts (2 of 4 stars). 2 submissions from 2 submitters: Likely benign (2). Last evaluated 2025-11-25.

Conditions:
PGM1-related disorder. Also called: PGM1-related condition; PGM1-related disorders.

Allele frequency attached by ClinVar (database versions not stated): ExAC 0.00004; gnomAD exomes 0.00004; gnomAD 0.00013; TOPMed 0.00022.
gnomAD v4.1: 83 of 1,612,552 alleles (0.0051%); highest among the groups gnomAD compares: Admixed American, 0.033%; no homozygotes.

Submissions (2):

PreventionGenetics, part of Exact Sciences
Classification: Likely benign for PGM1-related condition. Last evaluated: 2025-11-25. Review status: criteria provided, single submitter. Criteria: ACMG Guidelines, 2015. Collection method: clinical testing. Allele origin: germline.
Comment: This variant is classified as likely benign based on ACMG/AMP sequence variant interpretation guidelines (Richards et al. 2015 PMID: 25741868, with internal and published modifications).

CeGaT Center for Human Genetics Tuebingen
Classification: Likely benign. Last evaluated: 2024-02-01. Review status: criteria provided, single submitter. Criteria: CeGaT Center For Human Genetics Tuebingen Variant Classification Criteria Version 2. Collection method: clinical testing. Allele origin: germline. Affected: yes. Observed: 1 variant allele.
Comment: PGM1: BP4, BP7